The following is an entry in ClinVar:

ClinVar aggregate classification (germline): Uncertain significance. Review status: criteria provided, multiple submitters, no conflicts (2 of 4 stars). 2 submissions from 2 submitters: Uncertain significance (2). Last evaluated 2024-12-03.

Conditions:
Hereditary cancer-predisposing syndrome. Also called: Tumor predisposition; Hereditary neoplastic syndrome; Neoplastic Syndromes, Hereditary; Hereditary Cancer Syndrome. Identifiers: Orphanet 140162, MedGen C0027672, MeSH D009386, MONDO:0015356.
Cardiovascular phenotype. Identifiers: MedGen CN230736.

Allele frequency attached by ClinVar (database versions not stated): gnomAD exomes below 0.00001.
gnomAD v4.1: 2 of 1,614,118 alleles (0.00012%); no homozygotes.

Submissions (2):

Labcorp Genetics (formerly Invitae), Labcorp
Classification: Uncertain significance. Last evaluated: 2024-12-03. Review status: criteria provided, single submitter. Criteria: Invitae Variant Classification Sherloc (09022015). Collection method: clinical testing. Allele origin: germline.
Comment: This sequence change replaces leucine, which is neutral and non-polar, with proline, which is neutral and non-polar, at codon 187 of the LZTR1 protein (p.Leu187Pro). This variant is present in population databases (no rsID available, gnomAD 0.009%). This variant has not been reported in the literature in individuals affected with LZTR1-related conditions. ClinVar contains an entry for this variant (Variation ID: 1938166). Invitae Evidence Modeling of protein sequence and biophysical properties (such as structural, functional, and spatial information, amino acid conservation, physicochemical variation, residue mobility, and thermodynamic stability) indicates that this missense variant is not expected to disrupt LZTR1 protein function with a negative predictive value of 80%. In summary, the available evidence is currently insufficient to determine the role of this variant in disease. Therefore, it has been classified as a Variant of Uncertain Significance.

Ambry Genetics
Classification: Uncertain significance for Cardiovascular phenotype; Hereditary cancer-predisposing syndrome. Last evaluated: 2024-09-26. Review status: criteria provided, single submitter. Criteria: Ambry Variant Classification Scheme 2023. Collection method: clinical testing. Allele origin: germline.
Comment: The c.560T>C variant (also known as p.L187P), located in coding exon 6 of the LZTR1 gene, results from a T to C substitution at nucleotide position 560. The leucine at codon 187 is replaced by proline, an amino acid with similar properties. This nucleotide position is highly conserved in available vertebrate species. In silico splice site analysis predicts that this alteration will not have any significant effect on splicing. However, RNA studies have demonstrated that this alteration results in an incomplete splice defect; the clinical impact of this abnormal splicing is unknown at this time (Ambry internal data). Based on the available evidence, the clinical significance of this variant remains unclear.

NM_006767.4(LZTR1):c.560T>C (p.Leu187Pro)

Gene: LZTR1 (leucine zipper like post translational regulator 1; plus strand). Cytogenetic location: 22q11.21.
Variant type: single nucleotide variant.
Coding change: c.560T>C on transcript NM_006767.4 (MANE Select); coding-DNA position 560, T replaced by C.
Protein change: p.Leu187Pro; replaces leucine 187 with proline.
Molecular consequence: missense variant.
Genome position (GRCh38, 1-based): chr22:20,988,839, T>C. VCF-style: chr22-20988839-T-C. GRCh37 (hg19) VCF-style: chr22-21343128-T-C.
Other names: c.560T>C (NM_006767.3); short protein forms L187P.
Identifiers: ClinVar variation 1938166 (VCV001938166.6), dbSNP rs1303870701, ClinGen allele CA410780179.